The following is an entry in ClinVar:

ClinVar aggregate classification (germline): Likely pathogenic. Review status: criteria provided, single submitter (1 of 4 stars). 2 submissions from 2 submitters: Likely pathogenic (1). 1 of the submissions does not count toward it.

Conditions:
MICROPHTHALMIA, SYNDROMIC 15. Identifiers: MedGen C5193017, OMIM 615145.
Microphthalmia, isolated, with coloboma 9 (MCOPCB9). Identifiers: Orphanet 98938, MedGen C3554592, MONDO:0014059, OMIM 615145.

Submissions (2):

Department of Medical Genetics, Sanjay Gandhi Post Graduate Institute of Medical Sciences
Classification: Likely pathogenic for Microphthalmia, isolated, with coloboma 9. Review status: criteria provided, single submitter. Criteria: ACMG Guidelines, 2015. Collection method: clinical testing. Allele origin: inherited. Inheritance: Autosomal recessive inheritance. Affected: yes. Observed: 1 variant allele, 1 compound heterozygote.
Comment: This missense variant [c.4046C>G (p.Ala1349Gly)] is found to be compound heterozygous with another variant [c.7687C>T (p.Arg2563Trp)] in TENM3 gene. These variations are not reported in the 1000 Genomes database and are predicted to be damaging by SIFT and PolyPhen. The region is conserved across species.

OMIM
Classification: Pathogenic for MICROPHTHALMIA, SYNDROMIC 15. Last evaluated: 2019-07-30. Review status: no assertion criteria provided. Collection method: literature only. Allele origin: germline. Not counted in ClinVar's aggregate classification.

Literature cited by the submitters: PubMed 29753094 (cited by Department of Medical Genetics, Sanjay Gandhi Post Graduate Institute of Medical Sciences and OMIM).

NM_001080477.4(TENM3):c.4046C>G (p.Ala1349Gly)

Gene: TENM3 (teneurin transmembrane protein 3; plus strand). Cytogenetic location: 4q35.1.
Variant type: single nucleotide variant.
Coding change: c.4046C>G on transcript NM_001080477.4 (MANE Select); coding-DNA position 4046, C replaced by G.
Protein change: p.Ala1349Gly; replaces alanine 1349 with glycine.
Molecular consequence: missense variant.
Genome position (GRCh38, 1-based): chr4:182,754,413, C>G. VCF-style: chr4-182754413-C-G. GRCh37 (hg19) VCF-style: chr4-183675566-C-G.
Other names: short protein forms A1349G.
Identifiers: ClinVar variation 487483 (VCV000487483.3), dbSNP rs1243762658, ClinGen allele CA358828800.
Genomic context (GRCh38, chr4:182,754,413, plus strand): 5'-TTACTAACCAGGCCATTTCTTTTTTTATTAAGGTACGTCTGGAATGGCCCACTGACCTAG[C>G]CATTAACCCTATGGATAACTCCATTTATGTCCTGGATAATAATGTAGTTTTACAGATCAC-3'
Protein context (NP_001073946.1, residues 1339-1359): QVRLEWPTDL[Ala1349Gly]INPMDNSIYV